The following is an entry in ClinVar:

ClinVar aggregate classification (germline): Uncertain significance (1 of 4 stars; one submission).

Conditions:
Brugada syndrome. Also called: Sudden unexplained nocturnal death syndrome; Sudden unexpected nocturnal death syndrome; Sudden Unexplained Death Syndrome; Sudden Unexplained Nocturnal Death Syndrome (SUNDS). Identifiers: Orphanet 130, MedGen C1142166, MONDO:0015263.

Allele frequency attached by ClinVar (database versions not stated): gnomAD exomes below 0.00001; ExAC 0.00001.
gnomAD v4.1: 4 of 1,614,218 alleles (0.00025%); highest among the groups gnomAD compares: South Asian, 0.0044%; no homozygotes.

Submission:

Labcorp Genetics (formerly Invitae), Labcorp
Classification: Uncertain significance for Brugada syndrome. Last evaluated: 2021-09-01. Review status: criteria provided, single submitter. Criteria: Invitae Variant Classification Sherloc (09022015). Collection method: clinical testing. Allele origin: germline.
Comment: This sequence change replaces alanine with serine at codon 927 of the SCN10A protein (p.Ala927Ser). The alanine residue is moderately conserved and there is a moderate physicochemical difference between alanine and serine. This variant is present in population databases (rs774405519, ExAC 0.006%). This variant has not been reported in the literature in individuals affected with SCN10A-related conditions. Algorithms developed to predict the effect of missense changes on protein structure and function output the following: SIFT: "Tolerated"; PolyPhen-2: "Benign"; Align-GVGD: "Class C0". The serine amino acid residue is found in multiple mammalian species, which suggests that this missense change does not adversely affect protein function. In summary, the available evidence is currently insufficient to determine the role of this variant in disease. Therefore, it has been classified as a Variant of Uncertain Significance.

NM_006514.4(SCN10A):c.2779G>T (p.Ala927Ser)

Genes: SCN10A (sodium voltage-gated channel alpha subunit 10; minus strand), LOC110121288 (VISTA enhancer hs2268; plus strand). Cytogenetic location: 3p22.2.
Variant type: single nucleotide variant.
Coding change: c.2779G>T on transcript NM_006514.4 (MANE Select); coding-DNA position 2779, G replaced by T.
Protein change: p.Ala927Ser; replaces alanine 927 with serine.
Molecular consequence: missense variant.
Genome position (GRCh38, 1-based): chr3:38,726,914, C>A on the plus strand (G>T on the coding strand, the complement: SCN10A is on the minus strand). VCF-style: chr3-38726914-C-A. GRCh37 (hg19) VCF-style: chr3-38768405-C-A.
Other names: c.2779G>T, p.Ala927Ser (NM_001293306.2); c.2485G>T, p.Ala829Ser (NM_001293307.2); short protein forms A927S, A829S.
Identifiers: ClinVar variation 971790 (VCV000971790.3), dbSNP rs774405519, ClinGen allele CA2320432.